The following is an entry in ClinVar:

NM_001134831.2(AHI1):c.1151+261T>C

Gene: AHI1 (Abelson helper integration site 1; minus strand). Cytogenetic location: 6q23.3.
Variant type: single nucleotide variant.
Coding change: c.1151+261T>C on transcript NM_001134831.2 (MANE Select); 261 bases into the intron after coding-DNA position 1151, T replaced by C.
Molecular consequence: intron variant.
Genome position (GRCh38, 1-based): chr6:135,457,233, A>G on the plus strand (T>C on the coding strand, the complement: AHI1 is on the minus strand). VCF-style: chr6-135457233-A-G. GRCh37 (hg19) VCF-style: chr6-135778371-A-G.
Other names: c.1151+261T>C (NM_001134830.2, NM_001350503.2, NM_017651.5 and 2 more transcripts).
Identifiers: ClinVar variation 667961 (VCV000667961.1), dbSNP rs2757648, ClinGen allele CA148142759.

ClinVar aggregate classification (germline): Benign (1 of 4 stars; one submission).

Allele frequency attached by ClinVar (database versions not stated): gnomAD 0.97614 and 0.97749; TOPMed 0.97770; 1000 Genomes Project 0.98482; 1000 Genomes Project 30x 0.98548.
gnomAD v4.1: 148,919 of 152,322 alleles (98%); highest among the groups gnomAD compares: East Asian, 100%; 72,808 homozygotes.

Submission:

GeneDx
Classification: Benign. Last evaluated: 2018-06-19. Review status: criteria provided, single submitter. Criteria: GeneDx Variant Classification (06012015). Collection method: clinical testing. Allele origin: germline. Affected: yes.
Comment: This variant is considered likely benign or benign based on one or more of the following criteria: it is a conservative change, it occurs at a poorly conserved position in the protein, it is predicted to be benign by multiple in silico algorithms, and/or has population frequency not consistent with disease.